The following is an entry in ClinVar:

NM_020631.4(PLEKHG5):c.*1052G>A

Gene: PLEKHG5 (pleckstrin homology and RhoGEF domain containing G5; minus strand). Cytogenetic location: 1p36.31.
Variant type: single nucleotide variant.
Coding change: c.*1052G>A on transcript NM_020631.4; 1052 bases downstream of the stop codon, G replaced by A.
Genome position (GRCh38, 1-based): chr1:6,466,511, C>T on the plus strand (G>A on the coding strand, the complement: PLEKHG5 is on the minus strand). VCF-style: chr1-6466511-C-T. GRCh37 (hg19) VCF-style: chr1-6526571-C-T.
Identifiers: ClinVar variation 297913 (VCV000297913.7), dbSNP rs148036862, ClinGen allele CA10610646.

ClinVar aggregate classification (germline): Benign (1 of 4 stars; one submission).

Conditions:
Neuronopathy, distal hereditary motor, autosomal recessive 4. Also called: Autosomal recessive lower motor neuron disease with childhood onset; NEUROPATHY, DISTAL HEREDITARY MOTOR, AUTOSOMAL RECESSIVE 4. Identifiers: Orphanet 206580, MedGen C1970211, MONDO:0012608, OMIM 611067.

Allele frequency attached by ClinVar (database versions not stated): TOPMed 0.00507; gnomAD 0.00448 and 0.00467; 1000 Genomes Project 0.00659; 1000 Genomes Project 30x 0.00796; gnomAD exomes 0.00026.

Submission:

Illumina Laboratory Services, Illumina
Classification: Benign for Neuronopathy, distal hereditary motor, autosomal recessive 4. Last evaluated: 2018-01-13. Review status: criteria provided, single submitter. Criteria: ICSL Variant Classification Criteria 13 December 2019. Collection method: clinical testing. Allele origin: germline.
Comment: This variant was observed in the ICSL laboratory as part of a predisposition screen in an ostensibly healthy population. It had not been previously curated by ICSL or reported in the Human Gene Mutation Database (HGMD: prior to June 1st, 2018), and was therefore a candidate for classification through an automated scoring system. Utilizing variant allele frequency, disease prevalence and penetrance estimates, and inheritance mode, an automated score was calculated to assess if this variant is too frequent to cause the disease. Based on the score and internal cut-off values, a variant classified as benign is not then subjected to further curation. The score for this variant resulted in a classification of benign for this disease.